The following is an entry in ClinVar:

ClinVar aggregate classification (germline): Likely benign. Review status: criteria provided, multiple submitters, no conflicts (2 of 4 stars). 3 submissions from 3 submitters: Likely benign (2). 1 of the submissions does not count toward it. Last evaluated 2023-04-14.

Conditions:
Hypokalemic periodic paralysis, type 1. Also called: HypoPP; Hypokalemic Periodic Paralysis Type 1 (AD). Identifiers: Orphanet 681, MedGen C3714580, MONDO:0042979, OMIM 170400.
Malignant hyperthermia, susceptibility to, 5 (MHS5). Also called: CACNA1S-Related Malignant Hyperthermia Susceptibility. Identifiers: Orphanet 423, MedGen C1866077, MONDO:0011163, OMIM 601887.
CACNA1S-related disorder. Also called: CACNA1S-related condition.

Allele frequency attached by ClinVar (database versions not stated): gnomAD 0.00001; gnomAD exomes 0.00001 and 0.00003; TOPMed 0.00001; ExAC 0.00002.
gnomAD v4.1: 39 of 1,614,060 alleles (0.0024%); highest among the groups gnomAD compares: Non-Finnish European, 0.0031%; no homozygotes.

Submissions (3):

Labcorp Genetics (formerly Invitae), Labcorp
Classification: Likely benign for Hypokalemic periodic paralysis, type 1; Malignant hyperthermia, susceptibility to, 5. Last evaluated: 2023-04-14. Review status: criteria provided, single submitter. Criteria: Invitae Variant Classification Sherloc (09022015). Collection method: clinical testing. Allele origin: germline.

Color Diagnostics, LLC DBA Color Health
Classification: Likely benign for Malignant hyperthermia, susceptibility to, 5. Last evaluated: 2022-11-06. Review status: criteria provided, single submitter. Criteria: ACMG Guidelines, 2015. Collection method: clinical testing. Allele origin: germline.

PreventionGenetics, part of Exact Sciences
Classification: Likely benign for CACNA1S-related condition. Last evaluated: 2023-03-15. Review status: no assertion criteria provided. Collection method: clinical testing. Allele origin: germline. Not counted in ClinVar's aggregate classification.
Comment: This variant is classified as likely benign based on ACMG/AMP sequence variant interpretation guidelines (Richards et al. 2015 PMID: 25741868, with internal and published modifications).

NM_000069.3(CACNA1S):c.747C>T (p.Gly249=)

Gene: CACNA1S (calcium voltage-gated channel subunit alpha1 S; minus strand). Cytogenetic location: 1q32.1.
Variant type: single nucleotide variant.
Coding change: c.747C>T on transcript NM_000069.3 (MANE Select); coding-DNA position 747, C replaced by T.
Protein change: p.Gly249=; no amino-acid change (glycine 249 retained).
Molecular consequence: synonymous variant.
Genome position (GRCh38, 1-based): chr1:201,089,411, G>A on the plus strand (C>T on the coding strand, the complement: CACNA1S is on the minus strand). VCF-style: chr1-201089411-G-A. GRCh37 (hg19) VCF-style: chr1-201058539-G-A.
Other names: c.747C>T (NM_000069.2).
Identifiers: ClinVar variation 1103272 (VCV001103272.12), dbSNP rs778890024, ClinGen allele CA083985.